The following is an entry in ClinVar:

ClinVar aggregate classification (germline): Pathogenic/Likely pathogenic. Review status: criteria provided, multiple submitters, no conflicts (2 of 4 stars). 6 submissions from 6 submitters: Pathogenic (3); Likely pathogenic (1). 2 of the submissions do not count toward it. Last evaluated 2026-08-19.

Conditions:
Epidermolysis bullosa simplex 2A, generalized severe. Also called: Epidermolysis bullosa simplex 2, severe; Epidermolysis bullosa simplex 2, generalized severe; Epidermolysis bullosa simplex 2, Dowling-Meara type. Identifiers: MedGen CN301077, MONDO:0030489, OMIM 619555.
Dowling-Degos disease 1. Identifiers: Orphanet 79145, MedGen C4552092, MONDO:0024534, OMIM 179850.
Epidermolysis bullosa simplex 1C, localized. Also called: Epidermolysis Bullosa Simplex, Weber-Cockayne Type; Weber-Cockayne Syndrome; Localized epidermolysis bullosa simplex; EBS, ACRAL FORM; EPIDERMOLYSIS BULLOSA OF HANDS AND FEET. Identifiers: Orphanet 79400, MedGen C0080333, MONDO:0007551, OMIM 131800.

Allele frequency attached by ClinVar (database versions not stated): gnomAD exomes below 0.00001; TOPMed 0.00001.

Submissions (6):

Institute of Human Genetics, University of Leipzig Medical Center
Classification: Likely pathogenic for Epidermolysis bullosa simplex 2A, generalized severe. Last evaluated: 2026-08-19. Review status: criteria provided, single submitter. Criteria: ACMG Guidelines, 2015. Collection method: clinical testing. Allele origin: unknown. Inheritance: Autosomal dominant inheritance. Affected: yes.
Comment: Criteria applied: PS4_SUP,PM2_SUP,PM5_STR,PP3

Labcorp Genetics (formerly Invitae), Labcorp
Classification: Pathogenic. Last evaluated: 2024-08-31. Review status: criteria provided, single submitter. Criteria: Invitae Variant Classification Sherloc (09022015). Collection method: clinical testing. Allele origin: germline.
Comment: This sequence change replaces arginine, which is basic and polar, with cysteine, which is neutral and slightly polar, at codon 331 of the KRT5 protein (p.Arg331Cys). This variant is present in population databases (rs61297109, gnomAD 0.003%). This missense change has been observed in individuals with KRT5-related conditions (PMID: 7506097; internal data). It has also been observed to segregate with disease in related individuals. ClinVar contains an entry for this variant (Variation ID: 66298). Invitae Evidence Modeling of protein sequence and biophysical properties (such as structural, functional, and spatial information, amino acid conservation, physicochemical variation, residue mobility, and thermodynamic stability) has been performed for this missense variant. However, the output from this modeling did not meet the statistical confidence thresholds required to predict the impact of this variant on KRT5 protein function. This variant disrupts the p.Arg331 amino acid residue in KRT5. Other variant(s) that disrupt this residue have been determined to be pathogenic (PMID: 16786515, 20060687, 21375516). This suggests that this residue is clinically significant, and that variants that disrupt this residue are likely to be disease-causing. For these reasons, this variant has been classified as Pathogenic.

GeneDx
Classification: Pathogenic. Last evaluated: 2023-05-05. Review status: criteria provided, single submitter. Criteria: GeneDx Variant Classification Process June 2021. Collection method: clinical testing. Allele origin: germline. Affected: yes.
Comment: Located in the L1,2 linker region of the rod domain of keratin 5, which is highly conserved across all species and among other members of the keratin family; keratin gene variants affecting residues in this region interfere with proper keratin intermediate filament assembly and function, resulting in skin fragility, blistering, and/or hyperkeratosis (Chamcheu et al., 2011); Not observed at significant frequency in large population cohorts (gnomAD); In silico analysis supports that this missense variant has a deleterious effect on protein structure/function; This variant is associated with the following publications: (PMID: 22005030, 10782015, 7506097, 17039244, 9989794, 12655565, 20199538, 21176769)

Genetic Services Laboratory, University of Chicago
Classification: Pathogenic for Epidermolysis bullosa simplex, Weber-Cockayne type. Last evaluated: 2016-04-09. Review status: criteria provided, single submitter. Criteria: ACMG Guidelines, 2015. Collection method: clinical testing. Allele origin: germline. Affected: yes.

Zotz-Klimas Genetics Lab, MVZ Zotz Klimas
Classification: Likely pathogenic for Dowling-Degos disease 1. Last evaluated: 2023-10-09. Review status: no assertion criteria provided. Collection method: clinical testing. Allele origin: germline. Affected: yes. Not counted in ClinVar's aggregate classification.

Epithelial Biology;  Institute of Medical Biology, Singapore
No classification provided. Review status: no classification provided. Collection method: not provided. Allele origin: not provided. Not counted in ClinVar's aggregate classification.

Literature cited by the submitters: PubMed 7506097 (cited by Labcorp Genetics (formerly Invitae), Labcorp); PubMed 16786515 (cited by Labcorp Genetics (formerly Invitae), Labcorp); PubMed 20060687 (cited by Labcorp Genetics (formerly Invitae), Labcorp); PubMed 21375516 (cited by Labcorp Genetics (formerly Invitae), Labcorp).

NM_000424.4(KRT5):c.991C>T (p.Arg331Cys)

Gene: KRT5 (keratin 5; minus strand). Cytogenetic location: 12q13.13.
Variant type: single nucleotide variant.
Coding change: c.991C>T on transcript NM_000424.4 (MANE Select); coding-DNA position 991, C replaced by T.
Protein change: p.Arg331Cys; replaces arginine 331 with cysteine.
Molecular consequence: missense variant.
Genome position (GRCh38, 1-based): chr12:52,517,691, G>A on the plus strand (C>T on the coding strand, the complement: KRT5 is on the minus strand). VCF-style: chr12-52517691-G-A. GRCh37 (hg19) VCF-style: chr12-52911475-G-A.
Other names: short protein forms R331C.
Identifiers: ClinVar variation 66298 (VCV000066298.11), dbSNP rs61297109, ClinGen allele CA216815.